The following is an entry in ClinVar:

NM_020999.4(NEUROG3):c.34C>A (p.Gln12Lys)

Gene: NEUROG3 (neurogenin 3; minus strand). Cytogenetic location: 10q22.1.
Variant type: single nucleotide variant.
Coding change: c.34C>A on transcript NM_020999.4 (MANE Select); coding-DNA position 34, C replaced by A.
Protein change: p.Gln12Lys; replaces glutamine 12 with lysine.
Molecular consequence: missense variant.
Genome position (GRCh38, 1-based): chr10:69,573,010, G>T on the plus strand (C>A on the coding strand, the complement: NEUROG3 is on the minus strand). VCF-style: chr10-69573010-G-T. GRCh37 (hg19) VCF-style: chr10-71332766-G-T.
Other names: short protein forms Q12K.
Identifiers: ClinVar variation 1491367 (VCV001491367.8), dbSNP rs2133227641, ClinGen allele CA376923317.

ClinVar aggregate classification (germline): Uncertain significance (1 of 4 stars; one submission).

Allele frequency attached by ClinVar (database versions not stated): gnomAD exomes below 0.00001.

Submission:

Labcorp Genetics (formerly Invitae), Labcorp
Classification: Uncertain significance. Last evaluated: 2021-07-17. Review status: criteria provided, single submitter. Criteria: Invitae Variant Classification Sherloc (09022015). Collection method: clinical testing. Allele origin: germline.
Comment: In summary, the available evidence is currently insufficient to determine the role of this variant in disease. Therefore, it has been classified as a Variant of Uncertain Significance. Algorithms developed to predict the effect of missense changes on protein structure and function are either unavailable or do not agree on the potential impact of this missense change (SIFT: "Deleterious"; PolyPhen-2: "Benign"; Align-GVGD: "Class C0"). This variant has not been reported in the literature in individuals affected with NEUROG3-related conditions. This variant is not present in population databases (ExAC no frequency). This sequence change replaces glutamine with lysine at codon 12 of the NEUROG3 protein (p.Gln12Lys). The glutamine residue is moderately conserved and there is a small physicochemical difference between glutamine and lysine.